The following is an entry in ClinVar:

ClinVar aggregate classification (germline): Uncertain significance. Review status: criteria provided, multiple submitters, no conflicts (2 of 4 stars). 2 submissions from 2 submitters: Uncertain significance (2). Last evaluated 2025-05-12.

Conditions:
Inborn genetic diseases. Identifiers: MedGen C0950123, MeSH D030342.

Allele frequency attached by ClinVar (database versions not stated): gnomAD 0.00002; ExAC 0.00003; gnomAD exomes 0.00003; TOPMed 0.00005.
gnomAD v4.1: 45 of 1,611,532 alleles (0.0028%); highest among the groups gnomAD compares: Non-Finnish European, 0.0038%; no homozygotes.

Submissions (2):

Labcorp Genetics (formerly Invitae), Labcorp
Classification: Uncertain significance. Last evaluated: 2025-05-12. Review status: criteria provided, single submitter. Criteria: Invitae Variant Classification Sherloc (09022015). Collection method: clinical testing. Allele origin: germline.
Comment: This sequence change replaces serine, which is neutral and polar, with asparagine, which is neutral and polar, at codon 527 of the TRAPPC12 protein (p.Ser527Asn). This variant is present in population databases (rs201020050, gnomAD 0.006%). This variant has not been reported in the literature in individuals affected with TRAPPC12-related conditions. ClinVar contains an entry for this variant (Variation ID: 2068669). Invitae Evidence Modeling of protein sequence and biophysical properties (such as structural, functional, and spatial information, amino acid conservation, physicochemical variation, residue mobility, and thermodynamic stability) indicates that this missense variant is not expected to disrupt TRAPPC12 protein function with a negative predictive value of 80%. In summary, the available evidence is currently insufficient to determine the role of this variant in disease. Therefore, it has been classified as a Variant of Uncertain Significance.

Ambry Genetics
Classification: Uncertain significance for Inborn genetic diseases. Last evaluated: 2024-04-15. Review status: criteria provided, single submitter. Criteria: Ambry Variant Classification Scheme 2023. Collection method: clinical testing. Allele origin: germline.

NM_016030.6(TRAPPC12):c.1580G>A (p.Ser527Asn)

Gene: TRAPPC12 (trafficking protein particle complex subunit 12; plus strand). Cytogenetic location: 2p25.3.
Variant type: single nucleotide variant.
Coding change: c.1580G>A on transcript NM_016030.6 (MANE Select); coding-DNA position 1580, G replaced by A.
Protein change: p.Ser527Asn; replaces serine 527 with asparagine.
Molecular consequence: missense variant.
Genome position (GRCh38, 1-based): chr2:3,457,670, G>A. VCF-style: chr2-3457670-G-A. GRCh37 (hg19) VCF-style: chr2-3461441-G-A.
Other names: c.1580G>A, p.Ser527Asn (NM_001321102.2); c.1580G>A (NM_016030.5); short protein forms S527N.
Identifiers: ClinVar variation 2068669 (VCV002068669.4), dbSNP rs201020050, ClinGen allele CA1515505.